The following is an entry in ClinVar:

NM_016069.11(PAM16):c.374C>T (p.Thr125Met)

Genes: CORO7-PAM16 (CORO7-PAM16 readthrough; minus strand), PAM16 (presequence translocase associated motor 16; minus strand). Cytogenetic location: 16p13.3.
Variant type: single nucleotide variant.
Coding change: c.374C>T on transcript NM_016069.11 (MANE Select); coding-DNA position 374, C replaced by T.
Protein change: p.Thr125Met; replaces threonine 125 with methionine.
Molecular consequence: missense variant.
Genome position (GRCh38, 1-based): chr16:4,340,323, G>A on the plus strand (C>T on the coding strand, the complement: PAM16 is on the minus strand). VCF-style: chr16-4340323-G-A. GRCh37 (hg19) VCF-style: chr16-4390324-G-A.
Other names: c.3143C>T, p.Thr1048Met (NM_001201479.2); short protein forms T125M, T1048M.
Identifiers: ClinVar variation 1494233 (VCV001494233.4), dbSNP rs148571756, ClinGen allele CA7873335.

ClinVar aggregate classification (germline): Uncertain significance. Review status: criteria provided, multiple submitters, no conflicts (2 of 4 stars). 2 submissions from 2 submitters: Uncertain significance (2). Last evaluated 2022-10-18.

Allele frequency attached by ClinVar (database versions not stated): 1000 Genomes Project 30x 0.00016; 1000 Genomes Project 0.00020; gnomAD 0.00020 and 0.00021; TOPMed 0.00020; ESP Exome Variant Server 0.00038.
gnomAD v4.1: 304 of 1,612,472 alleles (0.019%); highest among the groups gnomAD compares: Admixed American, 0.062%; 1 homozygote.

Submissions (2):

Labcorp Genetics (formerly Invitae), Labcorp
Classification: Uncertain significance. Last evaluated: 2022-10-18. Review status: criteria provided, single submitter. Criteria: Invitae Variant Classification Sherloc (09022015). Collection method: clinical testing. Allele origin: germline.
Comment: This sequence change replaces threonine, which is neutral and polar, with methionine, which is neutral and non-polar, at codon 125 of the PAM16 protein (p.Thr125Met). This variant is present in population databases (rs148571756, gnomAD 0.07%). This variant has not been reported in the literature in individuals affected with PAM16-related conditions. ClinVar contains an entry for this variant (Variation ID: 1494233). Algorithms developed to predict the effect of missense changes on protein structure and function are either unavailable or do not agree on the potential impact of this missense change (SIFT: "Deleterious"; PolyPhen-2: "Probably Damaging"; Align-GVGD: "Class C0"). In summary, the available evidence is currently insufficient to determine the role of this variant in disease. Therefore, it has been classified as a Variant of Uncertain Significance.

Ambry Genetics
Classification: Uncertain significance. Last evaluated: 2021-12-02. Review status: criteria provided, single submitter. Criteria: Ambry Variant Classification Scheme 2023. Collection method: clinical testing. Allele origin: germline.